The following is an entry in ClinVar:

NM_152564.5(VPS13B):c.4348C>T (p.His1450Tyr)

Gene: VPS13B (vacuolar protein sorting 13 homolog B; plus strand). Cytogenetic location: 8q22.2.
Variant type: single nucleotide variant.
Coding change: c.4348C>T on transcript NM_152564.5 (MANE Select); coding-DNA position 4348, C replaced by T.
Protein change: p.His1450Tyr; replaces histidine 1450 with tyrosine.
Molecular consequence: missense variant.
Genome position (GRCh38, 1-based): chr8:99,511,227, C>T. VCF-style: chr8-99511227-C-T. GRCh37 (hg19) VCF-style: chr8-100523455-C-T.
Other names: c.4423C>T, p.His1475Tyr (NM_017890.5); short protein forms H1450Y, H1475Y.
Identifiers: ClinVar variation 2185560 (VCV002185560.5), dbSNP rs770616277, ClinGen allele CA4823524.

ClinVar aggregate classification (germline): Uncertain significance. Review status: criteria provided, multiple submitters, no conflicts (2 of 4 stars). 2 submissions from 2 submitters: Uncertain significance (2). Last evaluated 2026-07-02.

Conditions:
Cohen syndrome (COH1). Also called: PEPPER SYNDROME; Cutis verticis gyrata, retinitis pigmentosa, and sensorineural deafness. Identifiers: Orphanet 193, MedGen C0265223, MONDO:0008999, OMIM 216550.
VPS13B-related disorder. Also called: VPS13B-related condition.

Allele frequency attached by ClinVar (database versions not stated): gnomAD exomes below 0.00001; ExAC 0.00001.
gnomAD v4.1: 4 of 1,614,062 alleles (0.00025%); highest among the groups gnomAD compares: Non-Finnish European, 0.000085%; no homozygotes.

Submissions (2):

PreventionGenetics, part of Exact Sciences
Classification: Uncertain significance for VPS13B-related condition. Last evaluated: 2026-07-02. Review status: criteria provided, single submitter. Criteria: ACMG Guidelines, 2015. Collection method: clinical testing. Allele origin: germline.
Comment: The VPS13B c.4348C>T variant is predicted to result in the amino acid substitution p.His1450Tyr. To our knowledge, this variant has not been reported in the literature. This variant has been reported in one heterozygous individual within the ‘other’ subpopulation in gnomAD. At this time, the clinical significance of this variant is uncertain due to the absence of conclusive functional and genetic evidence.

Labcorp Genetics (formerly Invitae), Labcorp
Classification: Uncertain significance for Cohen syndrome. Last evaluated: 2024-01-18. Review status: criteria provided, single submitter. Criteria: Invitae Variant Classification Sherloc (09022015). Collection method: clinical testing. Allele origin: germline.
Comment: This sequence change replaces histidine, which is basic and polar, with tyrosine, which is neutral and polar, at codon 1475 of the VPS13B protein (p.His1475Tyr). This variant is present in population databases (rs770616277, gnomAD no frequency). This variant has not been reported in the literature in individuals affected with VPS13B-related conditions. ClinVar contains an entry for this variant (Variation ID: 2185560). Algorithms developed to predict the effect of missense changes on protein structure and function output the following: SIFT: "Not Available"; PolyPhen-2: "Benign"; Align-GVGD: "Not Available". The tyrosine amino acid residue is found in multiple mammalian species, which suggests that this missense change does not adversely affect protein function. In summary, the available evidence is currently insufficient to determine the role of this variant in disease. Therefore, it has been classified as a Variant of Uncertain Significance.